The following is an entry in ClinVar:

ClinVar aggregate classification (germline): Benign. Review status: criteria provided, multiple submitters, no conflicts (2 of 4 stars). 2 submissions from 2 submitters: Benign (2). Last evaluated 2018-01-12.

Conditions:
Dicarboxylic aminoaciduria (DCBXA). Also called: GLUTAMATE-ASPARTATE TRANSPORT DEFECT. Identifiers: Orphanet 2195, MedGen C1857253, MONDO:0009110, OMIM 222730.

Allele frequency attached by ClinVar (database versions not stated): gnomAD 0.17860 and 0.18676; TOPMed 0.18965; gnomAD exomes 0.23474; 1000 Genomes Project 30x 0.31106; 1000 Genomes Project 0.31789.
gnomAD v4.1: 28,387 of 152,600 alleles (19%); highest among the groups gnomAD compares: East Asian, 68%; 3,750 homozygotes.

Submissions (2):

Illumina Laboratory Services, Illumina
Classification: Benign for Dicarboxylic aminoaciduria. Last evaluated: 2018-01-12. Review status: criteria provided, single submitter. Criteria: ICSL Variant Classification Criteria 13 December 2019. Collection method: clinical testing. Allele origin: germline.
Comment: This variant was observed in the ICSL laboratory as part of a predisposition screen in an ostensibly healthy population. It had not been previously curated by ICSL or reported in the Human Gene Mutation Database (HGMD: prior to June 1st, 2018), and was therefore a candidate for classification through an automated scoring system. Utilizing variant allele frequency, disease prevalence and penetrance estimates, and inheritance mode, an automated score was calculated to assess if this variant is too frequent to cause the disease. Based on the score and internal cut-off values, a variant classified as benign is not then subjected to further curation. The score for this variant resulted in a classification of benign for this disease.

Breakthrough Genomics
Classification: Benign. Review status: criteria provided, single submitter. Criteria: ACMG Guidelines, 2015. Collection method: not provided. Allele origin: germline. Inheritance: Autosomal recessive inheritance. Affected: yes.

NM_004170.6(SLC1A1):c.*1588A>G

Gene: SLC1A1 (solute carrier family 1 member 1; plus strand). Cytogenetic location: 9p24.2.
Variant type: single nucleotide variant.
Coding change: c.*1588A>G on transcript NM_004170.6 (MANE Select); 1588 bases downstream of the stop codon, A replaced by G.
Molecular consequence: 3 prime UTR variant.
Genome position (GRCh38, 1-based): chr9:4,587,146, A>G. VCF-style: chr9-4587146-A-G. GRCh37 (hg19) VCF-style: chr9-4587146-A-G.
Identifiers: ClinVar variation 367090 (VCV000367090.6), dbSNP rs3056, ClinGen allele CA10627452.